The following is an entry in ClinVar:

NM_021116.4(ADCY1):c.2348G>A (p.Arg783His)

Gene: ADCY1 (adenylate cyclase 1; plus strand). Cytogenetic location: 7p12.3.
Variant type: single nucleotide variant.
Coding change: c.2348G>A on transcript NM_021116.4 (MANE Select); coding-DNA position 2348, G replaced by A.
Protein change: p.Arg783His; replaces arginine 783 with histidine.
Molecular consequence: missense variant.
Genome position (GRCh38, 1-based): chr7:45,686,567, G>A. VCF-style: chr7-45686567-G-A. GRCh37 (hg19) VCF-style: chr7-45726166-G-A.
Other names: short protein forms R783H.
Identifiers: ClinVar variation 4977242 (VCV004977242.1).

ClinVar aggregate classification (germline): Uncertain significance (1 of 4 stars; one submission).

Conditions:
ADCY1-related disorder. Also called: ADCY1-related condition.

gnomAD v4.1: 21 of 1,611,970 alleles (0.0013%); highest among the groups gnomAD compares: Middle Eastern, 0.033%; no homozygotes.

Submission:

PreventionGenetics, part of Exact Sciences
Classification: Uncertain significance for ADCY1-related condition. Last evaluated: 2026-04-07. Review status: criteria provided, single submitter. Criteria: ACMG Guidelines, 2015. Collection method: clinical testing. Allele origin: germline.
Comment: The ADCY1 c.2348G>A variant is predicted to result in the amino acid substitution p.Arg783His. To our knowledge, this variant has not been reported in the literature. This variant is reported in 0.0057% of alleles in individuals of Latino descent in gnomAD. At this time, the clinical significance of this variant is uncertain due to the absence of conclusive functional and genetic evidence.